The following is an entry in ClinVar:

ClinVar aggregate classification (germline): Likely benign (1 of 4 stars; one submission).

Allele frequency attached by ClinVar (database versions not stated): gnomAD 0.00421; ExAC 0.00418; ESP Exome Variant Server 0.00547; 1000 Genomes Project 0.00140; gnomAD exomes 0.00561.
gnomAD v4.1: 7,260 of 1,338,228 alleles (0.54%); highest among the groups gnomAD compares: Middle Eastern, 1.7%; 1,863 homozygotes.

Submission:

CeGaT Center for Human Genetics Tuebingen
Classification: Likely benign. Last evaluated: 2026-07-01. Review status: criteria provided, single submitter. Criteria: CeGaT Center For Human Genetics Tuebingen Variant Classification Criteria Version 2. Collection method: clinical testing. Allele origin: germline. Affected: yes. Observed: 13 variant alleles.
Comment: RHD: BP4, BS2

NM_016124.6(RHD):c.1195G>A (p.Ala399Thr)

Genes: RHD (Rh blood group D antigen; plus strand), RSRP1 (arginine and serine rich protein 1; minus strand). Cytogenetic location: 1p36.11.
Variant type: single nucleotide variant.
Coding change: c.1195G>A on transcript NM_016124.6 (MANE Select); coding-DNA position 1195, G replaced by A.
Protein change: p.Ala399Thr; replaces alanine 399 with threonine.
Molecular consequence: missense variant. On other transcripts: intron variant (7).
Genome position (GRCh38, 1-based): chr1:25,321,930, G>A. VCF-style: chr1-25321930-G-A. GRCh37 (hg19) VCF-style: chr1-25648421-G-A.
Other names: c.697G>A, p.Ala233Thr (NM_001282867.1); c.-67+15110C>T (NM_001321772.2); c.*27+4851G>A (NM_001282872.1); c.1153+4851G>A (NM_001282870.1); c.1019+4851G>A (NM_001282868.1); c.1244-6968G>A (NM_001282871.2); c.1074-6968G>A (NM_001282869.2); c.940-6968G>A (NM_001127691.3); short protein forms A233T, A399T.
Identifiers: ClinVar variation 2638498 (VCV002638498.22), dbSNP rs150059028, ClinGen allele CA694275.